The following is an entry in ClinVar:

ClinVar aggregate classification (germline): Uncertain significance (1 of 4 stars; one submission).

gnomAD v4.1: 14 of 1,614,212 alleles (0.00087%); highest among the groups gnomAD compares: East Asian, 0.0022%; no homozygotes.

Submission:

Labcorp Genetics (formerly Invitae), Labcorp
Classification: Uncertain significance. Last evaluated: 2025-09-25. Review status: criteria provided, single submitter. Criteria: Invitae Variant Classification Sherloc (09022015). Collection method: clinical testing. Allele origin: germline.
Comment: This sequence change replaces arginine, which is basic and polar, with histidine, which is basic and polar, at codon 247 of the WNT4 protein (p.Arg247His). This variant is present in population databases (rs376932793, gnomAD 0.002%). This variant has not been reported in the literature in individuals affected with WNT4-related conditions. Invitae Evidence Modeling of protein sequence and biophysical properties (such as structural, functional, and spatial information, amino acid conservation, physicochemical variation, residue mobility, and thermodynamic stability) indicates that this missense variant is not expected to disrupt WNT4 protein function with a negative predictive value of 80%. In summary, the available evidence is currently insufficient to determine the role of this variant in disease. Therefore, it has been classified as a Variant of Uncertain Significance.

NM_030761.5(WNT4):c.740G>A (p.Arg247His)

Gene: WNT4 (Wnt family member 4; minus strand). Cytogenetic location: 1p36.12.
Variant type: single nucleotide variant.
Coding change: c.740G>A on transcript NM_030761.5 (MANE Select); coding-DNA position 740, G replaced by A.
Protein change: p.Arg247His; replaces arginine 247 with histidine.
Molecular consequence: missense variant.
Genome position (GRCh38, 1-based): chr1:22,120,366, C>T on the plus strand (G>A on the coding strand, the complement: WNT4 is on the minus strand). VCF-style: chr1-22120366-C-T. GRCh37 (hg19) VCF-style: chr1-22446859-C-T.
Other names: short protein forms R247H.
Identifiers: ClinVar variation 4743590 (VCV004743590.1).
Genomic context (GRCh38, chr1:22,120,366, plus strand): 5'-TCTGTGTGCGGCTTGAACTGTGCGTTGCGTGGCACCAGTGCCCTGGAGGAGCCCACGCGG[C>T]GTGGCTCCACCTCAGTGGCACCATCAAACTTCTCCTTCAGTGCGTGACCCACCTGGCGGA-3'
Protein context (NP_110388.2, residues 237-257): KFDGATEVEP[Arg247His]RVGSSRALVP